The following is an entry in ClinVar:

ClinVar aggregate classification (germline): Uncertain significance (1 of 4 stars; one submission).

Conditions:
EPILEPSY, CHILDHOOD ABSENCE, SUSCEPTIBILITY TO, 2 (ECA2). Identifiers: Orphanet 64280, MedGen C1843244, OMIM 607681.
Febrile seizures, familial, 8 (FEB8). Also called: CONVULSIONS, FAMILIAL FEBRILE, 8. Identifiers: Orphanet 36387, MedGen C1969810, MONDO:0011891, OMIM 607681.

Submission:

Labcorp Genetics (formerly Invitae), Labcorp
Classification: Uncertain significance for Febrile seizures, familial, 8; EPILEPSY, CHILDHOOD ABSENCE, SUSCEPTIBILITY TO, 2. Last evaluated: 2023-01-26. Review status: criteria provided, single submitter. Criteria: Invitae Variant Classification Sherloc (09022015). Collection method: clinical testing. Allele origin: germline.
Comment: In summary, the available evidence is currently insufficient to determine the role of this variant in disease. Therefore, it has been classified as a Variant of Uncertain Significance. Advanced modeling of protein sequence and biophysical properties (such as structural, functional, and spatial information, amino acid conservation, physicochemical variation, residue mobility, and thermodynamic stability) performed at Invitae indicates that this missense variant is expected to disrupt GABRG2 protein function. This variant has not been reported in the literature in individuals affected with GABRG2-related conditions. This variant is not present in population databases (gnomAD no frequency). This sequence change replaces valine, which is neutral and non-polar, with glutamic acid, which is acidic and polar, at codon 98 of the GABRG2 protein (p.Val98Glu).

NM_198904.4(GABRG2):c.293T>A (p.Val98Glu)

Gene: GABRG2 (gamma-aminobutyric acid type A receptor subunit gamma2; plus strand). Cytogenetic location: 5q34.
Variant type: single nucleotide variant.
Coding change: c.293T>A on transcript NM_198904.4 (MANE Select); coding-DNA position 293, T replaced by A.
Protein change: p.Val98Glu; replaces valine 98 with glutamic acid.
Molecular consequence: missense variant. On other transcripts: 5 prime UTR variant (2).
Genome position (GRCh38, 1-based): chr5:162,095,528, T>A. VCF-style: chr5-162095528-T-A. GRCh37 (hg19) VCF-style: chr5-161522534-T-A.
Other names: c.293T>A, p.Val98Glu (NM_000816.3, NM_001375340.1, NM_001375341.1 and 4 more transcripts); c.284T>A, p.Val95Glu (NM_001375339.1); c.227T>A, p.Val76Glu (NM_001375345.1, NM_001375346.1); c.206T>A, p.Val69Glu (NM_001375347.1); c.-66T>A (NM_001375348.1, NM_001375350.1); c.8T>A, p.Val3Glu (NM_001375349.1); short protein forms V95E, V3E, V69E, V76E, V98E.
Identifiers: ClinVar variation 2943648 (VCV002943648.3), dbSNP rs2532559769, ClinGen allele CA362183394.
Genomic context (GRCh38, chr5:162,095,528, plus strand): 5'-CACACATTTCTATGTTTCTCTTTACAGTGAAGCCAACGTTAATTCACACAGACATGTATG[T>A]GAATAGCATTGGTCCAGTGAACGCTATCAATATGGTGAGTTTCCAAATAAAATTCTTTGT-3'
Protein context (NP_944494.1, residues 88-108): KPTLIHTDMY[Val98Glu]NSIGPVNAIN